The following is an entry in ClinVar:

NM_001370658.1(BTD):c.516C>A (p.Tyr172Ter)

Gene: BTD (biotinidase; plus strand). Cytogenetic location: 3p25.1.
Variant type: single nucleotide variant.
Coding change: c.516C>A on transcript NM_001370658.1 (MANE Select); coding-DNA position 516, C replaced by A.
Protein change: p.Tyr172Ter; replaces tyrosine 172 with a stop codon.
Molecular consequence: nonsense. On other transcripts: intron variant (1).
Genome position (GRCh38, 1-based): chr3:15,644,432, C>A. VCF-style: chr3-15644432-C-A. GRCh37 (hg19) VCF-style: chr3-15685939-C-A.
Other names: c.516C>A, p.Tyr172Ter (NM_001407367.1, NM_001407368.1, NM_001407369.1 and 18 more transcripts); c.399+2375C>A (NM_001370753.1); c.576C>A, p.Tyr192Ter (NM_000060.4); short protein forms Y172*, Y192*.
Identifiers: ClinVar variation 1414441 (VCV001414441.8), dbSNP rs766476582, ClinGen allele CA2277342.

ClinVar aggregate classification (germline): Pathogenic/Likely pathogenic. Review status: criteria provided, multiple submitters, no conflicts (2 of 4 stars). 2 submissions from 2 submitters: Pathogenic (1); Likely pathogenic (1). Last evaluated 2024-03-02.

Conditions:
Biotinidase deficiency. Also called: BTD deficiency; Late-onset biotin-responsive multiple carboxylase deficiency; Biotin deficiency. Identifiers: Orphanet 79241, MedGen C0220754, MONDO:0009665, OMIM 253260.

Allele frequency attached by ClinVar (database versions not stated): ExAC 0.00001.

Submissions (2):

Baylor Genetics
Classification: Likely pathogenic for Biotinidase deficiency. Last evaluated: 2024-03-02. Review status: criteria provided, single submitter. Criteria: ACMG Guidelines, 2015. Collection method: clinical testing. Allele origin: unknown.

Labcorp Genetics (formerly Invitae), Labcorp
Classification: Pathogenic for Biotinidase deficiency. Last evaluated: 2021-12-15. Review status: criteria provided, single submitter. Criteria: Invitae Variant Classification Sherloc (09022015). Collection method: clinical testing. Allele origin: germline.
Comment: For these reasons, this variant has been classified as Pathogenic. This variant disrupts a region of the BTD protein in which other variant(s) (p.Asp543Glu) have been determined to be pathogenic (PMID: 25174816, 25967232, 28498829). This suggests that this is a clinically significant region of the protein, and that variants that disrupt it are likely to be disease-causing. This variant has not been reported in the literature in individuals affected with BTD-related conditions. This variant is not present in population databases (gnomAD no frequency). This sequence change creates a premature translational stop signal (p.Tyr192*) in the BTD gene. While this is not anticipated to result in nonsense mediated decay, it is expected to disrupt the last 352 amino acid(s) of the BTD protein.

Literature cited by the submitters: PubMed 25174816 (cited by Labcorp Genetics (formerly Invitae), Labcorp); PubMed 25967232 (cited by Labcorp Genetics (formerly Invitae), Labcorp); PubMed 28498829 (cited by Labcorp Genetics (formerly Invitae), Labcorp).